The following is an entry in ClinVar:

NM_033225.6(CSMD1):c.2452C>T (p.Pro818Ser)

Gene: CSMD1 (CUB and Sushi multiple domains 1; minus strand). Cytogenetic location: 8p23.2.
Variant type: single nucleotide variant.
Coding change: c.2452C>T on transcript NM_033225.6 (MANE Select); coding-DNA position 2452, C replaced by T.
Protein change: p.Pro818Ser; replaces proline 818 with serine.
Molecular consequence: missense variant.
Genome position (GRCh38, 1-based): chr8:3,396,335, G>A on the plus strand (C>T on the coding strand, the complement: CSMD1 is on the minus strand). VCF-style: chr8-3396335-G-A. GRCh37 (hg19) VCF-style: chr8-3253857-G-A.
Other names: c.2452C>T (NM_033225.5); short protein forms P818S.
Identifiers: ClinVar variation 2898085 (VCV002898085.4), dbSNP rs757726712, ClinGen allele CA4608328.
Genomic context (GRCh38, chr8:3,396,335, plus strand): 5'-TGAGGAACTGGGGTGCCTGGGTGCCGTGGTACTCGCCGATCAGTGGGGACGAACTGGCTG[G>A]CCCATCTCTGACCTCCAAGGTGTCATAATTGACCTCTGTCTGAAATCTGCAAATATATAC-3'
Protein context (NP_150094.5, residues 808-828): NYDTLEVRDG[Pro818Ser]ASSSPLIGEY

ClinVar aggregate classification (germline): Uncertain significance. Review status: criteria provided, multiple submitters, no conflicts (2 of 4 stars). 2 submissions from 2 submitters: Uncertain significance (2). Last evaluated 2025-01-10.

Allele frequency attached by ClinVar (database versions not stated): gnomAD 0.00003.
gnomAD v4.1: 17 of 1,606,824 alleles (0.0011%); highest among the groups gnomAD compares: Non-Finnish European, 0.0014%; no homozygotes.

Submissions (2):

Ambry Genetics
Classification: Uncertain significance. Last evaluated: 2025-01-10. Review status: criteria provided, single submitter. Criteria: Ambry Variant Classification Scheme 2023. Collection method: clinical testing. Allele origin: germline.

Labcorp Genetics (formerly Invitae), Labcorp
Classification: Uncertain significance. Last evaluated: 2023-06-17. Review status: criteria provided, single submitter. Criteria: Invitae Variant Classification Sherloc (09022015). Collection method: clinical testing. Allele origin: germline.
Comment: In summary, the available evidence is currently insufficient to determine the role of this variant in disease. Therefore, it has been classified as a Variant of Uncertain Significance. This sequence change replaces proline, which is neutral and non-polar, with serine, which is neutral and polar, at codon 818 of the CSMD1 protein (p.Pro818Ser). The frequency data for this variant in the population databases is considered unreliable, as metrics indicate poor data quality at this position in the gnomAD database. This variant has not been reported in the literature in individuals affected with CSMD1-related conditions. An algorithm developed to predict the effect of missense changes on protein structure and function (PolyPhen-2) suggests that this variant is likely to be tolerated.